The following is an entry in ClinVar:

ClinVar aggregate classification (germline): Uncertain significance (1 of 4 stars; one submission).

Conditions:
Mosaic variegated aneuploidy syndrome 1 (MVA1). Also called: Warburton-Anyane-Yeboa syndrome. Identifiers: Orphanet 1052, MedGen C1850343, MONDO:0009759, OMIM 257300.

Submission:

Labcorp Genetics (formerly Invitae), Labcorp
Classification: Uncertain significance for Mosaic variegated aneuploidy syndrome 1. Last evaluated: 2023-01-17. Review status: criteria provided, single submitter. Criteria: Invitae Variant Classification Sherloc (09022015). Collection method: clinical testing. Allele origin: germline.
Comment: In summary, the available evidence is currently insufficient to determine the role of this variant in disease. Therefore, it has been classified as a Variant of Uncertain Significance. Algorithms developed to predict the effect of missense changes on protein structure and function output the following: SIFT: "Tolerated"; PolyPhen-2: "Benign"; Align-GVGD: "Class C0". The glutamic acid amino acid residue is found in multiple mammalian species, which suggests that this missense change does not adversely affect protein function. This variant has not been reported in the literature in individuals affected with BUB1B-related conditions. This variant is not present in population databases (gnomAD no frequency). This sequence change replaces glycine, which is neutral and non-polar, with glutamic acid, which is acidic and polar, at codon 43 of the BUB1B protein (p.Gly43Glu).

NM_001211.6(BUB1B):c.128G>A (p.Gly43Glu)

Gene: BUB1B (BUB1 mitotic checkpoint serine/threonine kinase B; plus strand). Cytogenetic location: 15q15.1.
Variant type: single nucleotide variant.
Coding change: c.128G>A on transcript NM_001211.6 (MANE Select); coding-DNA position 128, G replaced by A.
Protein change: p.Gly43Glu; replaces glycine 43 with glutamic acid.
Molecular consequence: missense variant.
Genome position (GRCh38, 1-based): chr15:40,165,145, G>A. VCF-style: chr15-40165145-G-A. GRCh37 (hg19) VCF-style: chr15-40457346-G-A.
Other names: short protein forms G43E.
Identifiers: ClinVar variation 2799297 (VCV002799297.3), dbSNP rs2542508732, ClinGen allele CA391677177.